The following is an entry in ClinVar:

NM_000214.3(JAG1):c.124A>G (p.Met42Val)

Gene: JAG1 (jagged canonical Notch ligand 1; minus strand). Cytogenetic location: 20p12.2.
Variant type: single nucleotide variant.
Coding change: c.124A>G on transcript NM_000214.3 (MANE Select); coding-DNA position 124, A replaced by G.
Protein change: p.Met42Val; replaces methionine 42 with valine.
Molecular consequence: missense variant.
Genome position (GRCh38, 1-based): chr20:10,672,964, T>C on the plus strand (A>G on the coding strand, the complement: JAG1 is on the minus strand). VCF-style: chr20-10672964-T-C. GRCh37 (hg19) VCF-style: chr20-10653612-T-C.
Other names: short protein forms M42V.
Identifiers: ClinVar variation 3573406 (VCV003573406.2).

Conditions:
Arteriohepatic dysplasia. Also called: Alagille Syndrome. Identifiers: Orphanet 52, MedGen C0085280, MeSH D016738, MONDO:0007318.

Submission:

Gilbert/Spinner Lab, Children's Hospital of Philadelphia
No classification provided (evidence only). Condition: Alagille syndrome. Review status: no classification provided. Collection method: research. Allele origin: not applicable. Functional consequence: functionally_abnormal.
ClinVar note: "not provided" was previously submitted as the classification for the variant. However, the classification appeared to be based only on an observation of functional data so it was converted to no classification on 2025-07-30.